The following is an entry in ClinVar:

NM_001161403.3(LIMS2):c.11+1305G>T

Gene: LIMS2 (LIM zinc finger domain containing 2; minus strand). Cytogenetic location: 2q14.3.
Variant type: single nucleotide variant.
Coding change: c.11+1305G>T on transcript NM_001161403.3 (MANE Select); 1305 bases into the intron after coding-DNA position 11, G replaced by T.
Molecular consequence: intron variant. On other transcripts: nonsense (1).
Genome position (GRCh38, 1-based): chr2:127,673,709, C>A on the plus strand (G>T on the coding strand, the complement: LIMS2 is on the minus strand). VCF-style: chr2-127673709-C-A. GRCh37 (hg19) VCF-style: chr2-128431283-C-A.
Other names: c.46G>T, p.Gly16Ter (NM_001136037.4); c.-5+7611G>T (NM_001161404.2); short protein forms G16*.
Identifiers: ClinVar variation 1418752 (VCV001418752.6), dbSNP rs991541495, ClinGen allele CA348417210.

ClinVar aggregate classification (germline): Uncertain significance (1 of 4 stars; one submission).

Conditions:
Autosomal recessive limb-girdle muscular dystrophy type 2W (MDRCMTT). Also called: Muscular dystrophy, limb-girdle, type 2W; Muscular dystrophy, autosomal recessive, with cardiomyopathy and triangular tongue. Identifiers: MedGen C4225192, MONDO:0014788, OMIM 616827.

Submission:

Labcorp Genetics (formerly Invitae), Labcorp
Classification: Uncertain significance for Autosomal recessive limb-girdle muscular dystrophy type 2W. Last evaluated: 2021-05-11. Review status: criteria provided, single submitter. Criteria: Invitae Variant Classification Sherloc (09022015). Collection method: clinical testing. Allele origin: germline.
Comment: This variant has not been reported in the literature in individuals with LIMS2-related conditions. This sequence change creates a premature translational stop signal (p.Gly16*) in the LIMS2 gene. It is expected to result in an absent or disrupted protein product. However, the current clinical and genetic evidence is not sufficient to establish whether loss-of-function variants in LIMS2 cause disease. This variant is not present in population databases (ExAC no frequency). In summary, the available evidence is currently insufficient to determine the role of this variant in disease. Therefore, it has been classified as a Variant of Uncertain Significance.